The following is an entry in ClinVar:

NM_000478.6(ALPL):c.1560_1561delinsT (p.Ser521fs)

Gene: ALPL (alkaline phosphatase, biomineralization associated; plus strand). Cytogenetic location: 1p36.12.
Variant type: Indel.
Coding change: c.1560_1561delinsT on transcript NM_000478.6 (MANE Select); coding-DNA positions 1560 to 1561, GA replaced by T.
Protein change: p.Ser521fs; shifts the reading frame from serine 521.
Molecular consequence: frameshift variant.
Genome position (GRCh38, 1-based): chr1:21,577,633-21,577,634, GA replaced by T. VCF-style: chr1-21577633-GA-T. GRCh37 (hg19) VCF-style: chr1-21904126-GA-T.
Other names: c.1395_1396delinsT, p.Ser466fs (NM_001127501.4); c.1329_1330delinsT, p.Ser444fs (NM_001177520.3); c.1560_1561delinsT, p.Ser521fs (NM_001369803.2, NM_001369804.2, NM_001369805.2); short protein forms S444fs, S466fs, S521fs.
Identifiers: ClinVar variation 4854274 (VCV004854274.1).
Genomic context (GRCh38, chr1:21,577,633, plus strand): 5'-CAGCTCGGCAGGCAGCCTTGCTGCAGGCCCCCTGCTGCTCGCGCTGGCCCTCTACCCCCT[GA>T]GCGTCCTGTTCTGAGGGCCCAGGGCCCGGGCACCCACAAGCCCGTGACAGATGCCAACTT-3'

ClinVar aggregate classification (germline): Likely pathogenic (1 of 4 stars; one submission).

Conditions:
Infantile hypophosphatasia. Identifiers: Orphanet 247651, Orphanet 436, MedGen C0268412, MONDO:1010169, OMIM 241500, MONDO:0009427.

Submission:

3billion
Classification: Likely pathogenic for Infantile hypophosphatasia. Last evaluated: 2025-08-18. Review status: criteria provided, single submitter. Criteria: ACMG Guidelines, 2015. Collection method: clinical testing. Allele origin: germline. Affected: yes.
Comment: The variant is not observed in the gnomAD v4.1.0 dataset. Predicted Consequence/Location: Frameshift: predicted to result in a loss or disruption of normal protein function through protein truncation. Multiple pathogenic variants are reported in the predicted truncated region. Therefore, this variant is classified as Likely pathogenic according to the recommendation of ACMG/AMP guideline.